The following is an entry in ClinVar:

NM_203446.3(SYNJ1):c.-37G>A

Gene: SYNJ1 (synaptojanin 1; minus strand). Cytogenetic location: 21q22.11.
Variant type: single nucleotide variant.
Coding change: c.-37G>A on transcript NM_203446.3 (MANE Select); 37 bases upstream of the start codon, G replaced by A.
Molecular consequence: 5 prime UTR variant. On other transcripts: synonymous variant (1).
Genome position (GRCh38, 1-based): chr21:32,727,960, C>T on the plus strand (G>A on the coding strand, the complement: SYNJ1 is on the minus strand). VCF-style: chr21-32727960-C-T. GRCh37 (hg19) VCF-style: chr21-34100271-C-T.
Other names: c.81G>A, p.Arg27= (NM_003895.4).
Identifiers: ClinVar variation 1594891 (VCV001594891.21), dbSNP rs1297512201, ClinGen allele CA512150398.

ClinVar aggregate classification (germline): Likely benign. Review status: criteria provided, multiple submitters, no conflicts (2 of 4 stars). 2 submissions from 2 submitters: Likely benign (2). Last evaluated 2024-12-01.

Conditions:
Developmental and epileptic encephalopathy, 53. Also called: Epileptic encephalopathy, early infantile, 53. Identifiers: MedGen C4479313, MONDO:0033362, OMIM 617389.
Early-onset Parkinson disease 20. Also called: PARKINSON DISEASE 20, AUTOSOMAL RECESSIVE EARLY-ONSET. Identifiers: Orphanet 391411, MedGen C3809824, MONDO:0014233, OMIM 615530.

Allele frequency attached by ClinVar (database versions not stated): TOPMed below 0.00001; gnomAD 0.00001; gnomAD exomes 0.00001.

Submissions (2):

CeGaT Center for Human Genetics Tuebingen
Classification: Likely benign. Last evaluated: 2024-12-01. Review status: criteria provided, single submitter. Criteria: CeGaT Center For Human Genetics Tuebingen Variant Classification Criteria Version 2. Collection method: clinical testing. Allele origin: germline. Affected: yes. Observed: 1 variant allele.
Comment: SYNJ1: BP4, BP7

Labcorp Genetics (formerly Invitae), Labcorp
Classification: Likely benign for Developmental and epileptic encephalopathy, 53; Early-onset Parkinson disease 20. Last evaluated: 2024-10-17. Review status: criteria provided, single submitter. Criteria: Invitae Variant Classification Sherloc (09022015). Collection method: clinical testing. Allele origin: germline.